The following is an entry in ClinVar:

NM_000496.3(CRYBB2):c.559G>A (p.Val187Met)

Gene: CRYBB2 (crystallin beta B2; plus strand). Cytogenetic location: 22q11.23.
Variant type: single nucleotide variant.
Coding change: c.559G>A on transcript NM_000496.3 (MANE Select); coding-DNA position 559, G replaced by A.
Protein change: p.Val187Met; replaces valine 187 with methionine.
Molecular consequence: missense variant.
Genome position (GRCh38, 1-based): chr22:25,231,713, G>A. VCF-style: chr22-25231713-G-A. GRCh37 (hg19) VCF-style: chr22-25627680-G-A.
Other names: short protein forms V187M.
Identifiers: ClinVar variation 1039314 (VCV001039314.13), dbSNP rs143080187, ClinGen allele CA10158060.

ClinVar aggregate classification (germline): Conflicting classifications of pathogenicity. Review status: criteria provided, conflicting classifications (1 of 4 stars). 4 submissions from 4 submitters: Uncertain significance (3); Likely benign (1). Last evaluated 2026-06-09.

Conditions:
CRYBB2-related disorder. Also called: CRYBB2-related condition.
Cataract 3 multiple types. Also called: CATARACT 3, MULTIPLE TYPES, WITH OR WITHOUT MICROCORNEA. Identifiers: Orphanet 1377, MedGen C1832175, MONDO:0011104, OMIM 601547.

Allele frequency attached by ClinVar (database versions not stated): gnomAD exomes 0.00021; ExAC 0.00026; gnomAD 0.00088 and 0.00094; TOPMed 0.00093; ESP Exome Variant Server 0.00108; 1000 Genomes Project 30x 0.00109; 1000 Genomes Project 0.00120.
gnomAD v4.1: 305 of 1,614,084 alleles (0.019%); highest among the groups gnomAD compares: African/African-American, 0.35%; 1 homozygote.

Submissions (4):

PreventionGenetics, part of Exact Sciences
Classification: Uncertain significance for CRYBB2-related condition. Last evaluated: 2026-06-09. Review status: criteria provided, single submitter. Criteria: ACMG Guidelines, 2015. Collection method: clinical testing. Allele origin: germline.
Comment: The CRYBB2 c.559G>A variant is predicted to result in the amino acid substitution p.Val187Met. This variant has been reported to segregate with disease in a three generation kindred with congenital nuclear cataracts (Mothobi et al 2009. PubMed ID: 19649175). However, a functional study found that the p.Val187Met substitution had no affect on the protein compared to wildtype (Xi et al. 2014. PubMed ID: 24704203). Additionally, this variant is present in 0.29% of alleles in individuals of African descent in gnomAD, including a homozygote in gnomAD v.4.1.0, indicating it is relatively common. Although we suspect that this variant may be benign, at this time, the clinical significance of this variant is uncertain due to the absence of conclusive functional and genetic evidence.

Labcorp Genetics (formerly Invitae), Labcorp
Classification: Uncertain significance for Cataract 3 multiple types. Last evaluated: 2026-01-25. Review status: criteria provided, single submitter. Criteria: Invitae Variant Classification Sherloc (09022015). Collection method: clinical testing. Allele origin: germline.
Comment: This sequence change replaces valine, which is neutral and non-polar, with methionine, which is neutral and non-polar, at codon 187 of the CRYBB2 protein (p.Val187Met). This variant is present in population databases (rs143080187, gnomAD 0.3%), and has an allele count higher than expected for a pathogenic variant. This missense change has been observed in individual(s) with congenital cataracts (PMID: 19649175). It has also been observed to segregate with disease in related individuals. ClinVar contains an entry for this variant (Variation ID: 1039314). An algorithm developed to predict the effect of missense changes on protein structure and function (PolyPhen-2) suggests that this variant is likely to be disruptive. Experimental studies are conflicting or provide insufficient evidence to determine the effect of this variant on CRYBB2 function (PMID: 24120835, 24704203). In summary, the available evidence is currently insufficient to determine the role of this variant in disease. Therefore, it has been classified as a Variant of Uncertain Significance.

Mendelics
Classification: Uncertain significance. Last evaluated: 2022-05-04. Review status: criteria provided, single submitter. Criteria: Mendelics Assertion Criteria 2019. Collection method: clinical testing. Allele origin: germline.

GeneDx
Classification: Likely benign. Last evaluated: 2021-06-21. Review status: criteria provided, single submitter. Criteria: GeneDx Variant Classification Process June 2021. Collection method: clinical testing. Allele origin: germline. Affected: yes.
Comment: This variant is associated with the following publications: (PMID: 24704203, 19649175, 24120835, 28025620, 22312185, 21245961)

Literature cited by the submitters: PubMed 19649175 (cited by Labcorp Genetics (formerly Invitae), Labcorp); PubMed 24120835 (cited by Labcorp Genetics (formerly Invitae), Labcorp); PubMed 24704203 (cited by Labcorp Genetics (formerly Invitae), Labcorp).